The following is an entry in ClinVar:

NM_014264.5(PLK4):c.13A>G (p.Ile5Val)

Genes: PLK4 (polo like kinase 4; plus strand), LOC129993054 (ATAC-STARR-seq lymphoblastoid active region 21887; plus strand). Cytogenetic location: 4q28.1.
Variant type: single nucleotide variant.
Coding change: c.13A>G on transcript NM_014264.5 (MANE Select); coding-DNA position 13, A replaced by G.
Protein change: p.Ile5Val; replaces isoleucine 5 with valine.
Molecular consequence: missense variant.
Genome position (GRCh38, 1-based): chr4:127,881,147, A>G. VCF-style: chr4-127881147-A-G. GRCh37 (hg19) VCF-style: chr4-128802302-A-G.
Other names: c.13A>G, p.Ile5Val (NM_001190799.2); c.13A>G (NM_014264.4); short protein forms I5V.
Identifiers: ClinVar variation 1007710 (VCV001007710.6), dbSNP rs953058677, ClinGen allele CA105685308.

ClinVar aggregate classification (germline): Uncertain significance. Review status: criteria provided, multiple submitters, no conflicts (2 of 4 stars). 3 submissions from 3 submitters: Uncertain significance (3). Last evaluated 2023-09-13.

Conditions:
Inborn genetic diseases. Identifiers: MedGen C0950123, MeSH D030342.

Allele frequency attached by ClinVar (database versions not stated): gnomAD exomes 0.00002; gnomAD 0.00003; TOPMed 0.00003.

Submissions (3):

Ambry Genetics
Classification: Uncertain significance for Inborn genetic diseases. Last evaluated: 2023-09-13. Review status: criteria provided, single submitter. Criteria: Ambry Variant Classification Scheme 2023. Collection method: clinical testing. Allele origin: germline.

Labcorp Genetics (formerly Invitae), Labcorp
Classification: Uncertain significance. Last evaluated: 2022-02-06. Review status: criteria provided, single submitter. Criteria: Invitae Variant Classification Sherloc (09022015). Collection method: clinical testing. Allele origin: germline.
Comment: In summary, the available evidence is currently insufficient to determine the role of this variant in disease. Therefore, it has been classified as a Variant of Uncertain Significance. This sequence change replaces isoleucine, which is neutral and non-polar, with valine, which is neutral and non-polar, at codon 5 of the PLK4 protein (p.Ile5Val). This variant is present in population databases (no rsID available, gnomAD 0.004%). This variant has not been reported in the literature in individuals affected with PLK4-related conditions. ClinVar contains an entry for this variant (Variation ID: 1007710). Algorithms developed to predict the effect of missense changes on protein structure and function (SIFT, PolyPhen-2, Align-GVGD) all suggest that this variant is likely to be tolerated.

Breakthrough Genomics
Classification: Uncertain significance. Review status: criteria provided, single submitter. Criteria: ACMG Guidelines, 2015. Collection method: not provided. Allele origin: germline. Inheritance: Autosomal recessive inheritance. Affected: yes.